The following is an entry in ClinVar:

ClinVar aggregate classification (germline): Uncertain significance (1 of 4 stars; one submission).

Conditions:
Autosomal recessive nonsyndromic hearing loss 8 (DFNB8). Also called: NEUROSENSORY NONSYNDROMIC RECESSIVE DEAFNESS 8; Deafness, autosomal recessive 10. Identifiers: Orphanet 90636, MedGen C1832827, MONDO:0010987, OMIM 601072.

Submission:

Neuberg Centre For Genomic Medicine, NCGM
Classification: Uncertain significance for Autosomal recessive nonsyndromic hearing loss 8. Review status: criteria provided, single submitter. Criteria: ACMG Guidelines, 2015. Collection method: clinical testing. Allele origin: germline. Inheritance: Autosomal recessive inheritance. Affected: yes.
Comment: The observed frameshift variant c.652del (p.Leu218CysfsTer50) in GJB3 gene has not been reported previously as a pathogenic variant nor as a benign variant, to our knowledge. The p.Leu218CysfsTer50 variant is absent in gnomAD Exomes. This variant has not been submitted to the ClinVar database. This variant causes a frameshift starting with codon Leucine 218, changes this amino acid to Cysteine residue, and creates a premature Stop codon at position 50 of the new reading frame, denoted p.Leu218CysfsTer50. However, since this variant is present in the last exon of a gene where loss of function is not a prominently known mechanism of disease, functional studies will be required to prove protein truncation to prove protein truncation. Hence for these reasons, this variant has been classified as a Variant of Uncertain Significance (VUS).

NM_024009.3(GJB3):c.652del (p.Leu218fs)

Gene: GJB3 (gap junction protein beta 3; plus strand). Cytogenetic location: 1p34.3.
Variant type: Deletion.
Coding change: c.652del on transcript NM_024009.3 (MANE Select); coding-DNA position 652, one base deleted (C; older notation c.652delC).
Protein change: p.Leu218fs; shifts the reading frame from leucine 218.
Molecular consequence: frameshift variant.
Genome position (GRCh38, 1-based): chr1:34,785,414, C deleted; the last of 2 consecutive C bases (chr1:34,785,413-34,785,414); deleting either gives the same sequence. VCF-style (leftmost placement, unchanged base first): chr1-34785412-GC-G. GRCh37 (hg19) VCF-style: chr1-35251013-GC-G.
Other names: c.652del, p.Leu218fs (NM_001005752.2); short protein forms L218fs.
Identifiers: ClinVar variation 3250472 (VCV003250472.1), dbSNP rs2521975478.
Genomic context (GRCh38, chr1:34,785,412, plus strand): 5'-TCTGCATCGTACTCACCATCTGTGAGCTCTGCTACCTCATCTGCCACAGGGTCCTGCGAG[GC>G]CTGCACAAGGACAAGCCTCGAGGGGGTTGCAGCCCCTCGTCCTCCGCCAGCCGAGCTTCC-3'